The following is an entry in ClinVar:

NM_004621.6(TRPC6):c.1517T>C (p.Ile506Thr)

Gene: TRPC6 (transient receptor potential cation channel subfamily C member 6; minus strand). Cytogenetic location: 11q22.1.
Variant type: single nucleotide variant.
Coding change: c.1517T>C on transcript NM_004621.6 (MANE Select); coding-DNA position 1517, T replaced by C.
Protein change: p.Ile506Thr; replaces isoleucine 506 with threonine.
Molecular consequence: missense variant.
Genome position (GRCh38, 1-based): chr11:101,476,528, A>G on the plus strand (T>C on the coding strand, the complement: TRPC6 is on the minus strand). VCF-style: chr11-101476528-A-G. GRCh37 (hg19) VCF-style: chr11-101347259-A-G.
Other names: p.Ile506Thr; short protein forms I506T.
Identifiers: ClinVar variation 2066028 (VCV002066028.5), dbSNP rs200561342, ClinGen allele CA6244309.

ClinVar aggregate classification (germline): Conflicting classifications of pathogenicity. Review status: criteria provided, conflicting classifications (1 of 4 stars). 2 submissions from 2 submitters: Uncertain significance (1); Likely benign (1). Last evaluated 2025-02-20.

Allele frequency attached by ClinVar (database versions not stated): gnomAD 0.00001; TOPMed 0.00006; gnomAD exomes 0.00007; 1000 Genomes Project 0.00020; ExAC 0.00016; 1000 Genomes Project 30x 0.00031.
gnomAD v4.1: 40 of 1,613,354 alleles (0.0025%); highest among the groups gnomAD compares: Admixed American, 0.067%; no homozygotes.

Submissions (2):

Mayo Clinic Laboratories, Mayo Clinic
Classification: Uncertain significance. Last evaluated: 2025-02-20. Review status: criteria provided, single submitter. Criteria: ACMG Guidelines, 2015. Collection method: clinical testing. Allele origin: germline. Observed: 1 variant allele.
Comment: PP3

Labcorp Genetics (formerly Invitae), Labcorp
Classification: Likely benign. Last evaluated: 2023-11-16. Review status: criteria provided, single submitter. Criteria: Invitae Variant Classification Sherloc (09022015). Collection method: clinical testing. Allele origin: germline.